The following is an entry in ClinVar:

NM_000388.4(CASR):c.1277C>T (p.Ser426Phe)

Gene: CASR (calcium sensing receptor; plus strand). Cytogenetic location: 3q21.1.
Variant type: single nucleotide variant.
Coding change: c.1277C>T on transcript NM_000388.4 (MANE Select); coding-DNA position 1277, C replaced by T.
Protein change: p.Ser426Phe; replaces serine 426 with phenylalanine.
Molecular consequence: missense variant.
Genome position (GRCh38, 1-based): chr3:122,262,312, C>T. VCF-style: chr3-122262312-C-T. GRCh37 (hg19) VCF-style: chr3-121981159-C-T.
Other names: c.1277C>T, p.Ser426Phe (NM_001178065.2); short protein forms S426F.
Identifiers: ClinVar variation 3757867 (VCV003757867.2).

ClinVar aggregate classification (germline): Uncertain significance (1 of 4 stars; one submission).

Conditions:
Autosomal dominant hypocalcemia 1 (HYPOC1). Also called: HYPOCALCEMIA, FAMILIAL. Identifiers: MedGen C3715128, MONDO:0011013, OMIM 601198.
Familial hypocalciuric hypercalcemia (FHH). Also called: Familial benign hypercalcemia. Identifiers: Orphanet 405, MedGen C1809471, MONDO:0018458.

Submission:

Labcorp Genetics (formerly Invitae), Labcorp
Classification: Uncertain significance for Familial hypocalciuric hypercalcemia; Autosomal dominant hypocalcemia 1. Last evaluated: 2024-08-28. Review status: criteria provided, single submitter. Criteria: Invitae Variant Classification Sherloc (09022015). Collection method: clinical testing. Allele origin: germline.
Comment: This sequence change replaces serine, which is neutral and polar, with phenylalanine, which is neutral and non-polar, at codon 426 of the CASR protein (p.Ser426Phe). This variant is not present in population databases (gnomAD no frequency). This variant has not been reported in the literature in individuals affected with CASR-related conditions. An algorithm developed to predict the effect of missense changes on protein structure and function (PolyPhen-2) suggests that this variant is likely to be disruptive. In summary, the available evidence is currently insufficient to determine the role of this variant in disease. Therefore, it has been classified as a Variant of Uncertain Significance.